The following is an entry in ClinVar:

NM_006734.4(HIVEP2):c.5845A>G (p.Asn1949Asp)

Gene: HIVEP2 (HIVEP zinc finger 2; minus strand). Cytogenetic location: 6q24.2.
Variant type: single nucleotide variant.
Coding change: c.5845A>G on transcript NM_006734.4 (MANE Select); coding-DNA position 5845, A replaced by G.
Protein change: p.Asn1949Asp; replaces asparagine 1949 with aspartic acid.
Molecular consequence: missense variant.
Genome position (GRCh38, 1-based): chr6:142,760,443, T>C on the plus strand (A>G on the coding strand, the complement: HIVEP2 is on the minus strand). VCF-style: chr6-142760443-T-C. GRCh37 (hg19) VCF-style: chr6-143081580-T-C.
Other names: short protein forms N1949D.
Identifiers: ClinVar variation 3699511 (VCV003699511.2).

ClinVar aggregate classification (germline): Uncertain significance (1 of 4 stars; one submission).

gnomAD v4.1: 4 of 1,614,040 alleles (0.00025%); highest among the groups gnomAD compares: Admixed American, 0.0033%; no homozygotes.

Submission:

Labcorp Genetics (formerly Invitae), Labcorp
Classification: Uncertain significance. Last evaluated: 2025-01-28. Review status: criteria provided, single submitter. Criteria: Invitae Variant Classification Sherloc (09022015). Collection method: clinical testing. Allele origin: germline.
Comment: This sequence change replaces asparagine, which is neutral and polar, with aspartic acid, which is acidic and polar, at codon 1949 of the HIVEP2 protein (p.Asn1949Asp). This variant is not present in population databases (gnomAD no frequency). This variant has not been reported in the literature in individuals affected with HIVEP2-related conditions. Invitae Evidence Modeling of protein sequence and biophysical properties (such as structural, functional, and spatial information, amino acid conservation, physicochemical variation, residue mobility, and thermodynamic stability) indicates that this missense variant is not expected to disrupt HIVEP2 protein function with a negative predictive value of 80%. In summary, the available evidence is currently insufficient to determine the role of this variant in disease. Therefore, it has been classified as a Variant of Uncertain Significance.